The following is an entry in ClinVar:

NM_003235.5(TG):c.7595G>A (p.Arg2532Gln)

Gene: TG (thyroglobulin; plus strand). Cytogenetic location: 8q24.22.
Variant type: single nucleotide variant.
Coding change: c.7595G>A on transcript NM_003235.5 (MANE Select); coding-DNA position 7595, G replaced by A.
Protein change: p.Arg2532Gln; replaces arginine 2532 with glutamine.
Molecular consequence: missense variant.
Genome position (GRCh38, 1-based): chr8:133,113,444, G>A. VCF-style: chr8-133113444-G-A. GRCh37 (hg19) VCF-style: chr8-134125688-G-A.
Other names: c.7595G>A (NM_003235.4); short protein forms R2532Q.
Identifiers: ClinVar variation 2437058 (VCV002437058.6), dbSNP rs755300748, ClinGen allele CA186344846.

ClinVar aggregate classification (germline): Uncertain significance. Review status: criteria provided, multiple submitters, no conflicts (2 of 4 stars). 4 submissions from 4 submitters: Uncertain significance (4). Last evaluated 2026-10-19.

Conditions:
Iodotyrosyl coupling defect (TDH3). Also called: HYPOTHYROIDISM, CONGENITAL, DUE TO DYSHORMONOGENESIS, 3; THYROID HORMONOGENESIS, GENETIC DEFECT IN, 3. Identifiers: Orphanet 95716, MedGen C0342194, MONDO:0010135, OMIM 274700.
Inborn genetic diseases. Identifiers: MedGen C0950123, MeSH D030342.
Congenital hypothyroidism. Identifiers: Orphanet 442, MedGen C0010308, MONDO:0018612, HP:0000851.

Allele frequency attached by ClinVar (database versions not stated): gnomAD 0.00005.
gnomAD v4.1: 30 of 1,613,700 alleles (0.0019%); highest among the groups gnomAD compares: African/African-American, 0.016%; no homozygotes.

Submissions (4):

Cambridge Genomics Laboratory, East Genomic Laboratory Hub, NHS Genomic Medicine Service
Classification: Uncertain significance for Congenital hypothyroidism. Last evaluated: 2026-10-19. Review status: criteria provided, single submitter. Criteria: ACGS Best Practice Guidelines for Variant Classification in Rare Disease 2020. Collection method: clinical testing. Allele origin: germline. Affected: yes.
Comment: PM2_Supporting

Ambry Genetics
Classification: Uncertain significance for Inborn genetic diseases. Last evaluated: 2025-10-21. Review status: criteria provided, single submitter. Criteria: Ambry Variant Classification Scheme 2023. Collection method: clinical testing. Allele origin: germline.

Revvity Omics, Revvity
Classification: Uncertain significance for Iodotyrosyl coupling defect. Last evaluated: 2025-07-07. Review status: criteria provided, single submitter. Criteria: ACMG Guidelines, 2015. Collection method: clinical testing. Allele origin: germline.

GeneDx
Classification: Uncertain significance. Last evaluated: 2024-04-30. Review status: criteria provided, single submitter. Criteria: GeneDx Variant Classification Process June 2021. Collection method: clinical testing. Allele origin: germline. Affected: yes.
Comment: In silico analysis supports that this missense variant has a deleterious effect on protein structure/function; Has not been previously published as pathogenic or benign to our knowledge